The following is an entry in ClinVar:

ClinVar aggregate classification (germline): Pathogenic (1 of 4 stars; one submission).

Allele frequency attached by ClinVar (database versions not stated): gnomAD exomes below 0.00001.

Submission:

Labcorp Genetics (formerly Invitae), Labcorp
Classification: Pathogenic. Last evaluated: 2023-07-17. Review status: criteria provided, single submitter. Criteria: Invitae Variant Classification Sherloc (09022015). Collection method: clinical testing. Allele origin: germline.
Comment: For these reasons, this variant has been classified as Pathogenic. ClinVar contains an entry for this variant (Variation ID: 1904400). This variant has not been reported in the literature in individuals affected with LCA5-related conditions. This variant is not present in population databases (gnomAD no frequency). This sequence change creates a premature translational stop signal (p.Gln179Argfs*7) in the LCA5 gene. It is expected to result in an absent or disrupted protein product. Loss-of-function variants in LCA5 are known to be pathogenic (PMID: 17546029, 23946133).

Literature cited by the submitters: PubMed 17546029; PubMed 23946133.

NM_001122769.3(LCA5):c.536_537del (p.Gln179fs)

Gene: LCA5 (lebercilin LCA5; minus strand). Cytogenetic location: 6q14.1.
Variant type: Deletion.
Coding change: c.536_537del on transcript NM_001122769.3 (MANE Select); coding-DNA positions 536 to 537, 2 bases deleted (AA; older notation c.536_537delAA).
Protein change: p.Gln179fs; shifts the reading frame from glutamine 179.
Molecular consequence: frameshift variant.
Genome position (GRCh38, 1-based): chr6:79,513,395-79,513,396, TT deleted on the plus strand (AA on the coding strand, the reverse complement: LCA5 is on the minus strand). VCF-style (leftmost placement, unchanged base first): chr6-79513394-CTT-C. GRCh37 (hg19) VCF-style: chr6-80223111-CTT-C.
Other names: c.536_537del, p.Gln179fs (NM_181714.4); short protein forms Q179fs.
Identifiers: ClinVar variation 1904400 (VCV001904400.6), dbSNP rs2127680039, ClinGen allele CA2580075885.
Genomic context (GRCh38, chr6:79,513,394, plus strand): 5'-TTGTCCTAAATAGTTCACTTTCTGTATCTTTTACCCTTTTCTCAGTTGCCCGTTCTTTCT[CTT>C]GAGATTTTCTTAAGCGTTCTTTGAGTGCTGTAATCTCATTGTTATGACGAAATATAAGTT-3'